The following is an entry in ClinVar:

ClinVar aggregate classification (germline): Uncertain significance (1 of 4 stars; one submission).

Submission:

Labcorp Genetics (formerly Invitae), Labcorp
Classification: Uncertain significance. Last evaluated: 2022-07-12. Review status: criteria provided, single submitter. Criteria: Invitae Variant Classification Sherloc (09022015). Collection method: clinical testing. Allele origin: germline.
Comment: In summary, the available evidence is currently insufficient to determine the role of this variant in disease. Therefore, it has been classified as a Variant of Uncertain Significance. Experimental studies and prediction algorithms are not available or were not evaluated, and the functional significance of this variant is currently unknown. ClinVar contains an entry for this variant (Variation ID: 1399595). This variant has not been reported in the literature in individuals affected with POLG2-related conditions. This variant is not present in population databases (gnomAD no frequency). This sequence change affects the initiator methionine of the POLG2 mRNA. The next in-frame methionine is located at codon 268.

NM_007215.4(POLG2):c.1A>T (p.Met1Leu)

Genes: MILR1 (mast cell immunoglobulin like receptor 1; plus strand), POLG2 (DNA polymerase gamma 2, accessory subunit; minus strand). Cytogenetic location: 17q23.3.
Variant type: single nucleotide variant.
Coding change: c.1A>T on transcript NM_007215.4 (MANE Select); coding-DNA position 1, A replaced by T.
Protein change: p.Met1Leu; changes the start codon (methionine 1).
Molecular consequence: missense variant, initiator codon variant.
Genome position (GRCh38, 1-based): chr17:64,496,968, T>A on the plus strand (A>T on the coding strand, the complement: POLG2 is on the minus strand). VCF-style: chr17-64496968-T-A. GRCh37 (hg19) VCF-style: chr17-62493086-T-A.
Other names: short protein forms M1L.
Identifiers: ClinVar variation 1399595 (VCV001399595.6), dbSNP rs112240735, ClinGen allele CA400641851.
Genomic context (GRCh38, chr17:64,496,968, plus strand): 5'-ACCCAGACAACAGGCACCTGCAGACCTTATGGCAGGCCCTGACGGCTACACGAGAGCGCA[T>A]CTCTCTCCGAAGTTAAAGAGCACACTCTCCCATCACTCAACGGATCCCAACAAGCCACCA-3'
Protein context (NP_009146.2, residues 1-11): [Met1Leu]RSRVAVRACH